The following is an entry in ClinVar:

ClinVar aggregate classification (germline): Uncertain significance (1 of 4 stars; one submission).

Conditions:
Idiopathic generalized epilepsy. Also called: Generalised epilepsy; EIG. Identifiers: MedGen C0270850, MONDO:0005579, OMIM 600669.
Epilepsy, idiopathic generalized, susceptibility to, 13. Also called: EPILEPSY, JUVENILE MYOCLONIC, SUSCEPTIBILITY TO, 5. Identifiers: Orphanet 307, Orphanet 64280, MedGen C4013473, MONDO:0012627, OMIM 611136.
Epilepsy, childhood absence 4 (ECA4). Also called: EPILEPSY, CHILDHOOD ABSENCE, SUSCEPTIBILITY TO, 4. Identifiers: Orphanet 307, MedGen C1970160.

Allele frequency attached by ClinVar (database versions not stated): gnomAD exomes below 0.00001 and 0.00001; ExAC 0.00001; gnomAD 0.00001; TOPMed 0.00001; ESP Exome Variant Server 0.00008.

Submission:

Labcorp Genetics (formerly Invitae), Labcorp
Classification: Uncertain significance for Epilepsy, childhood absence 4; Epilepsy, idiopathic generalized, susceptibility to, 13; Idiopathic generalized epilepsy. Last evaluated: 2021-11-09. Review status: criteria provided, single submitter. Criteria: Invitae Variant Classification Sherloc (09022015). Collection method: clinical testing. Allele origin: germline.
Comment: This sequence change replaces aspartic acid, which is acidic and polar, with asparagine, which is neutral and polar, at codon 383 of the GABRA1 protein (p.Asp383Asn). This variant is present in population databases (rs375377575, gnomAD 0.002%). This missense change has been observed in individual(s) with clinical features of early infantile epileptic encephalopathy (Invitae). ClinVar contains an entry for this variant (Variation ID: 1006468). Algorithms developed to predict the effect of missense changes on protein structure and function (SIFT, PolyPhen-2, Align-GVGD) all suggest that this variant is likely to be tolerated. Experimental studies have shown that this missense change does not substantially affect GABRA1 function (PMID: 27622563). In summary, the available evidence is currently insufficient to determine the role of this variant in disease. Therefore, it has been classified as a Variant of Uncertain Significance.

Literature cited by the submitters: PubMed 27622563.

NM_001127644.2(GABRA1):c.1147G>A (p.Asp383Asn)

Gene: GABRA1 (gamma-aminobutyric acid type A receptor subunit alpha1; plus strand). Cytogenetic location: 5q34.
Variant type: single nucleotide variant.
Coding change: c.1147G>A on transcript NM_001127644.2 (MANE Select); coding-DNA position 1147, G replaced by A.
Protein change: p.Asp383Asn; replaces aspartic acid 383 with asparagine.
Molecular consequence: missense variant.
Genome position (GRCh38, 1-based): chr5:161,897,198, G>A. VCF-style: chr5-161897198-G-A. GRCh37 (hg19) VCF-style: chr5-161324204-G-A.
Other names: c.1147G>A, p.Asp383Asn (NM_000806.5, NM_001127643.2, NM_001127645.2 and 1 more transcripts); short protein forms D383N.
Identifiers: ClinVar variation 1006468 (VCV001006468.6), dbSNP rs375377575, ClinGen allele CA3544587.